The following is an entry in ClinVar:

ClinVar aggregate classification (germline): Uncertain significance. Review status: criteria provided, multiple submitters, no conflicts (2 of 4 stars). 2 submissions from 2 submitters: Uncertain significance (2). Last evaluated 2025-11-25.

Conditions:
Hajdu-Cheney syndrome (HJCYS). Also called: ACROOSTEOLYSIS WITH OSTEOPOROSIS AND CHANGES IN SKULL AND MANDIBLE; Acroosteolysis dominant type; SERPENTINE FIBULA-POLYCYSTIC KIDNEY SYNDROME. Identifiers: Orphanet 955, MedGen C0917715, MONDO:0007057, OMIM 102500.

gnomAD v4.1: 11 of 1,602,256 alleles (0.00069%); highest among the groups gnomAD compares: African/African-American, 0.0027%; no homozygotes.

Submissions (2):

Labcorp Genetics (formerly Invitae), Labcorp
Classification: Uncertain significance for Hajdu-Cheney syndrome. Last evaluated: 2025-11-25. Review status: criteria provided, single submitter. Criteria: Invitae Variant Classification Sherloc (09022015). Collection method: clinical testing. Allele origin: germline.
Comment: This sequence change replaces arginine, which is basic and polar, with glutamine, which is neutral and polar, at codon 1299 of the NOTCH2 protein (p.Arg1299Gln). This variant is present in population databases (rs773971657, gnomAD 0.003%). This variant has not been reported in the literature in individuals affected with NOTCH2-related conditions. ClinVar contains an entry for this variant (Variation ID: 4072458). Invitae Evidence Modeling of protein sequence and biophysical properties (such as structural, functional, and spatial information, amino acid conservation, physicochemical variation, residue mobility, and thermodynamic stability) indicates that this missense variant is not expected to disrupt NOTCH2 protein function with a negative predictive value of 80%. Algorithms developed to predict the effect of sequence changes on RNA splicing suggest that this variant may disrupt the consensus splice site. In summary, the available evidence is currently insufficient to determine the role of this variant in disease. Therefore, it has been classified as a Variant of Uncertain Significance.

GeneDx
Classification: Uncertain significance. Last evaluated: 2025-01-29. Review status: criteria provided, single submitter. Criteria: GeneDx Variant Classification Process June 2021. Collection method: clinical testing. Allele origin: germline. Affected: yes.
Comment: In silico analysis supports a deleterious effect on splicing; In silico analysis indicates that this missense variant does not alter protein structure/function; Has not been previously published as pathogenic or benign to our knowledge

NM_024408.4(NOTCH2):c.3896G>A (p.Arg1299Gln)

Gene: NOTCH2 (notch receptor 2; minus strand). Cytogenetic location: 1p12.
Variant type: single nucleotide variant.
Coding change: c.3896G>A on transcript NM_024408.4 (MANE Select); coding-DNA position 3896, G replaced by A.
Protein change: p.Arg1299Gln; replaces arginine 1299 with glutamine.
Molecular consequence: missense variant.
Genome position (GRCh38, 1-based): chr1:119,926,608, C>T on the plus strand (G>A on the coding strand, the complement: NOTCH2 is on the minus strand). VCF-style: chr1-119926608-C-T. GRCh37 (hg19) VCF-style: chr1-120469231-C-T.
Other names: short protein forms R1299Q.
Identifiers: ClinVar variation 4072458 (VCV004072458.2).
Genomic context (GRCh38, chr1:119,926,608, plus strand): 5'-CAAGTCCCTCCATTCAGGCAGGGCATCTGGGGACACACATCGACGAAGGTTTCACAGTGC[C>T]GGCCTCAGAAAATAAAAAATAAAAAAGGTTTTAAAAGGCAGAAGTAGTCACTGCAAGTTA-3'
Protein context (NP_077719.2, residues 1289-1309): LCVCRSAFTG[Arg1299Gln]HCETFVDVCP